The following is an entry in ClinVar:

ClinVar aggregate classification (germline): Likely benign (1 of 4 stars; one submission).

Allele frequency attached by ClinVar (database versions not stated): ESP Exome Variant Server 0.00142; 1000 Genomes Project 30x 0.00208.
gnomAD v4.1: 276 of 1,169,687 alleles (0.024%); highest among the groups gnomAD compares: African/African-American, 0.42%; no homozygotes.

Submission:

CeGaT Center for Human Genetics Tuebingen
Classification: Likely benign. Last evaluated: 2022-05-01. Review status: criteria provided, single submitter. Criteria: CeGaT Center For Human Genetics Tuebingen Variant Classification Criteria Version 2. Collection method: clinical testing. Allele origin: germline. Affected: yes. Observed: 1 variant allele.
Comment: LANCL3: BP4, BP7

NM_001170331.2(LANCL3):c.504C>T (p.Asp168=)

Gene: LANCL3 (LanC like family member 3; plus strand). Cytogenetic location: Xp21.1.
Variant type: single nucleotide variant.
Coding change: c.504C>T on transcript NM_001170331.2 (MANE Select); coding-DNA position 504, C replaced by T.
Protein change: p.Asp168=; no amino-acid change (aspartic acid 168 retained).
Molecular consequence: synonymous variant.
Genome position (GRCh38, 1-based): chrX:37,572,374, C>T. VCF-style: chrX-37572374-C-T. GRCh37 (hg19) VCF-style: chrX-37431627-C-T.
Other names: c.504C>T, p.Asp168= (NM_198511.3).
Identifiers: ClinVar variation 2660281 (VCV002660281.24), dbSNP rs201090311, ClinGen allele CA10383351.